The following is an entry in ClinVar:

ClinVar aggregate classification (germline): Conflicting classifications of pathogenicity. Review status: criteria provided, conflicting classifications (1 of 4 stars). 7 submissions from 7 submitters: Uncertain significance (5); Likely benign (1). 1 of the submissions does not count toward it. Last evaluated 2026-04-27.

Conditions:
Hereditary cancer-predisposing syndrome. Also called: Tumor predisposition; Hereditary neoplastic syndrome; Hereditary Cancer Syndrome; Neoplastic Syndromes, Hereditary. Identifiers: Orphanet 140162, MedGen C0027672, MeSH D009386, MONDO:0015356.
Hereditary breast ovarian cancer syndrome. Also called: Hereditary breast and/or ovarian cancer syndrome; Breast and ovarian cancer; Hereditary breast and ovarian cancer syndrome; Hereditary breast and ovarian cancer; Hereditary breast and ovarian cancer syndrome (HBOC); BRCA1- and BRCA2-Associated Hereditary Breast and Ovarian Cancer. Identifiers: Orphanet 145, MedGen C0677776, MeSH D061325, MONDO:0003582. Disease mechanism: loss of function.
Breast-ovarian cancer, familial, susceptibility to, 1 (BROVCA1). Also called: BRCA1 Hereditary Breast and Ovarian Cancer; OVARIAN CANCER, SUSCEPTIBILITY TO. Identifiers: Orphanet 145, MedGen C2676676, MONDO:0011450, OMIM 604370. Disease mechanism: loss of function.

gnomAD v4.1: 2 of 1,613,880 alleles (0.00012%); highest among the groups gnomAD compares: Non-Finnish European, 0.00017%; no homozygotes.

Submissions (7):

Women's Health and Genetics/Laboratory Corporation of America, LabCorp
Classification: Uncertain significance. Last evaluated: 2026-04-27. Review status: criteria provided, single submitter. Criteria: LabCorp Variant Classification Summary - May 2015. Collection method: clinical testing. Allele origin: germline.
Comment: Variant summary: BRCA1 c.1975C>G (p.Pro659Ala) results in a non-conservative amino acid change in the encoded protein sequence. Algorithms developed to predict the effect of missense changes on protein structure and function are either unavailable or do not agree on the potential impact of this missense change. The variant was absent in 251078 control chromosomes. The available data on variant occurrences in the general population are insufficient to allow any conclusion about variant significance. c.1975C>G has been observed in individual(s) affected with Hereditary Breast And Ovarian Cancer Syndrome, without strong evidence for causality (Leongamornlert_2012, Patruno_2021). These report(s) do not provide unequivocal conclusions about association of the variant with Hereditary Breast And Ovarian Cancer Syndrome. To our knowledge, no experimental evidence demonstrating an impact on protein function has been reported. The following publications have been ascertained in the context of this evaluation (PMID: 22516946, 34572941). ClinVar contains an entry for this variant (Variation ID: 156185). Based on the evidence outlined above, the variant was classified as uncertain significance.

Labcorp Genetics (formerly Invitae), Labcorp
Classification: Uncertain significance for Hereditary breast ovarian cancer syndrome. Last evaluated: 2025-08-22. Review status: criteria provided, single submitter. Criteria: Invitae Variant Classification Sherloc (09022015). Collection method: clinical testing. Allele origin: germline.
Comment: This sequence change replaces proline, which is neutral and non-polar, with alanine, which is neutral and non-polar, at codon 659 of the BRCA1 protein (p.Pro659Ala). This variant is not present in population databases (gnomAD no frequency). This missense change has been observed in individual(s) with prostate cancer (PMID: 22516946). ClinVar contains an entry for this variant (Variation ID: 156185). Invitae Evidence Modeling of protein sequence and biophysical properties (such as structural, functional, and spatial information, amino acid conservation, physicochemical variation, residue mobility, and thermodynamic stability) indicates that this missense variant is not expected to disrupt BRCA1 protein function with a negative predictive value of 80%. In summary, the available evidence is currently insufficient to determine the role of this variant in disease. Therefore, it has been classified as a Variant of Uncertain Significance.

Ambry Genetics
Classification: Uncertain significance for Hereditary cancer-predisposing syndrome. Last evaluated: 2024-12-17. Review status: criteria provided, single submitter. Criteria: Ambry Variant Classification Scheme 2023. Collection method: clinical testing. Allele origin: germline.
Comment: The p.P659A variant (also known as c.1975C>G), located in coding exon 9 of the BRCA1 gene, results from a C to G substitution at nucleotide position 1975. The proline at codon 659 is replaced by alanine, an amino acid with highly similar properties. This amino acid position is not well conserved in available vertebrate species. In addition, the in silico prediction for this alteration is inconclusive. Based on the available evidence, the clinical significance of this variant remains unclear.

University of Washington Department of Laboratory Medicine, University of Washington
Classification: Likely benign for Hereditary cancer-predisposing syndrome. Last evaluated: 2023-03-23. Review status: criteria provided, single submitter. Criteria: Dines et al. (Genet Med. 2020). Collection method: curation. Allele origin: germline.
Comment: Missense variant in a coldspot region where missense variants are very unlikely to be pathogenic (PMID:31911673).

BRCA1 coldspot (exon 11 using historical exon numbering). Reclassification based on statistical prior probability

Sema4
Classification: Uncertain significance for Hereditary cancer-predisposing syndrome. Last evaluated: 2021-08-16. Review status: criteria provided, single submitter. Criteria: Sema4 Curation Guidelines. Collection method: curation. Allele origin: germline.
Comment: The BRCA1 c.1975C>G (p.P659A) variant has been reported in at least one individual with prostate cancer (PMID: 22516946). It was not observed in the large and broad cohorts of the Genome Aggregation Database (PMID: 32461654). The variant has been reported in ClinVar (Variation ID 156185). Functional studies have not been performed, and in silico predictions of the variant's effect on protein function are inconclusive. The evidence is insufficient to meet ACMG/AMP criteria for classifying the variant as benign or pathogenic. Thus, the clinical significance of this variant is currently uncertain.

GeneDx
Classification: Uncertain significance. Last evaluated: 2017-02-08. Review status: criteria provided, single submitter. Criteria: GeneDx Variant Classification (06012015). Collection method: clinical testing. Allele origin: germline. Affected: yes.
Comment: This variant is denoted BRCA1 c.1975C>G at the cDNA level, p.Pro659Ala (P659A) at the protein level, and results in the change of a Proline to an Alanine (CCA>GCA). Using alternate nomenclature, this variant would be defined as BRCA1 2094C>G. This variant has been observed in at least one individual with prostate cancer (Leongamornlert 2012). BRCA1 Pro659Ala was not observed in approximately 6,500 individuals of European and African American ancestry in the NHLBI Exome Sequencing Project, suggesting it is not a common benign variant in these populations. Since Proline and Alanine differ in some properties, this is considered a semi-conservative amino acid substitution. BRCA1 Pro659Ala occurs at a position that is not conserved and is located within the DNA binding domain and a region known to interact with multiple other proteins (Narod 2004, Paul 2014). In silico analyses predict that this variant is probably damaging to protein structure and function. Based on currently available evidence, it is unclear whether BRCA1 Pro659Ala is a pathogenic or benign variant. We consider it to be a variant of uncertain significance.

Sharing Clinical Reports Project (SCRP)
Classification: Uncertain significance for Breast-ovarian cancer, familial 1. Last evaluated: 2011-03-30. Review status: no assertion criteria provided. Collection method: clinical testing. Allele origin: germline. Not counted in ClinVar's aggregate classification.

Literature cited by the submitters: PubMed 22516946 (cited by 3 submitters); PubMed 34572941 (cited by Women's Health and Genetics/Laboratory Corporation of America, LabCorp).

NM_007294.4(BRCA1):c.1975C>G (p.Pro659Ala)

Gene: BRCA1 (BRCA1 DNA repair associated; minus strand). Cytogenetic location: 17q21.31.
Variant type: single nucleotide variant.
Coding change: c.1975C>G on transcript NM_007294.4 (MANE Select); coding-DNA position 1975, C replaced by G.
Protein change: p.Pro659Ala; replaces proline 659 with alanine.
Molecular consequence: missense variant. On other transcripts: intron variant (137).
Genome position (GRCh38, 1-based): chr17:43,093,556, G>C on the plus strand (C>G on the coding strand, the complement: BRCA1 is on the minus strand). VCF-style: chr17-43093556-G-C. GRCh37 (hg19) VCF-style: chr17-41245573-G-C.
Other names: 2094C>G; c.577+1188C>G (NM_001408485.1, NM_001408483.1, NM_001408481.1 and 9 more transcripts); c.661+1188C>G (NM_001408447.1, NM_001408433.1, NM_001408446.1 and 6 more transcripts); c.784+1188C>G (NM_001408400.1, NM_001408392.1, NM_001407986.1 and 13 more transcripts); c.664+1188C>G (NM_001408441.1, NM_001408437.1, NM_001408429.1 and 12 more transcripts); c.787+1188C>G (NM_001407979.1, NM_001407977.1, NM_001407982.1 and 19 more transcripts); c.646+1188C>G (NM_001408410.1, NM_001408458.1, NM_001408469.1 and 11 more transcripts); c.709+1188C>G (NM_001408415.1, NM_001408412.1, NM_001408409.1 and 2 more transcripts); and 41 more; short protein forms P659A, P612A, P531A, P571A, P618A, P656A, P532A, P548A.
Identifiers: ClinVar variation 156185 (VCV000156185.22), dbSNP rs587776481, ClinGen allele CA001319.